The following is an entry in ClinVar:

ClinVar aggregate classification (germline): Uncertain significance (1 of 4 stars; one submission).

Conditions:
Inborn genetic diseases. Identifiers: MedGen C0950123, MeSH D030342.

Submission:

Ambry Genetics
Classification: Uncertain significance for Inborn genetic diseases. Last evaluated: 2025-03-28. Review status: criteria provided, single submitter. Criteria: Ambry Variant Classification Scheme 2023. Collection method: clinical testing. Allele origin: germline.
Comment: The p.K1373R variant (also known as c.4118A>G), located in coding exon 1 of the SAMD9L gene, results from an A to G substitution at nucleotide position 4118. The lysine at codon 1373 is replaced by arginine, an amino acid with highly similar properties. This amino acid position is conserved. In addition, this alteration is predicted to be tolerated by in silico analysis. Based on the available evidence, the clinical significance of this variant remains unclear.

NM_152703.5(SAMD9L):c.4118A>G (p.Lys1373Arg)

Gene: SAMD9L (sterile alpha motif domain containing 9 like; minus strand). Cytogenetic location: 7q21.2.
Variant type: single nucleotide variant.
Coding change: c.4118A>G on transcript NM_152703.5 (MANE Select); coding-DNA position 4118, A replaced by G.
Protein change: p.Lys1373Arg; replaces lysine 1373 with arginine.
Molecular consequence: missense variant.
Genome position (GRCh38, 1-based): chr7:93,131,854, T>C on the plus strand (A>G on the coding strand, the complement: SAMD9L is on the minus strand). VCF-style: chr7-93131854-T-C. GRCh37 (hg19) VCF-style: chr7-92761167-T-C.
Other names: c.4118A>G, p.Lys1373Arg (NM_001303496.3, NM_001303497.3, NM_001303498.3 and 5 more transcripts); short protein forms K1373R.
Identifiers: ClinVar variation 3949780 (VCV003949780.1).